The following is an entry in ClinVar:

ClinVar aggregate classification (germline): Uncertain significance (1 of 4 stars; one submission).

Submission:

Labcorp Genetics (formerly Invitae), Labcorp
Classification: Uncertain significance. Last evaluated: 2022-10-13. Review status: criteria provided, single submitter. Criteria: Invitae Variant Classification Sherloc (09022015). Collection method: clinical testing. Allele origin: germline.
Comment: This sequence change replaces alanine, which is neutral and non-polar, with glycine, which is neutral and non-polar, at codon 689 of the PHEX protein (p.Ala689Gly). This variant is not present in population databases (gnomAD no frequency). This variant has not been reported in the literature in individuals affected with PHEX-related conditions. Advanced modeling of protein sequence and biophysical properties (such as structural, functional, and spatial information, amino acid conservation, physicochemical variation, residue mobility, and thermodynamic stability) performed at Invitae indicates that this missense variant is expected to disrupt PHEX protein function. This variant disrupts the p.Ala689 amino acid residue in PHEX. Other variant(s) that disrupt this residue have been observed in individuals with PHEX-related conditions (PMID: 22101457; Invitae), which suggests that this may be a clinically significant amino acid residue. In summary, the available evidence is currently insufficient to determine the role of this variant in disease. Therefore, it has been classified as a Variant of Uncertain Significance.

Literature cited by the submitters: PubMed 22101457.

NM_000444.6(PHEX):c.2066C>G (p.Ala689Gly)

Genes: PHEX (phosphate regulating endopeptidase X-linked; plus strand), PTCHD1-AS (PTCHD1 and PHEX antisense RNA; minus strand). Cytogenetic location: Xp22.11.
Variant type: single nucleotide variant.
Coding change: c.2066C>G on transcript NM_000444.6 (MANE Select); coding-DNA position 2066, C replaced by G.
Protein change: p.Ala689Gly; replaces alanine 689 with glycine.
Molecular consequence: missense variant. On other transcripts: non-coding transcript variant (1).
Genome position (GRCh38, 1-based): chrX:22,227,607, C>G. VCF-style: chrX-22227607-C-G. GRCh37 (hg19) VCF-style: chrX-22245724-C-G.
Other names: c.2066C>G, p.Ala689Gly (NM_001282754.2); short protein forms A689G.
Identifiers: ClinVar variation 2035470 (VCV002035470.4), dbSNP rs2518677048, ClinGen allele CA412574504.